The following is an entry in ClinVar:

ClinVar aggregate classification (germline): Uncertain significance (1 of 4 stars; one submission).

Submission:

Labcorp Genetics (formerly Invitae), Labcorp
Classification: Uncertain significance. Last evaluated: 2022-12-23. Review status: criteria provided, single submitter. Criteria: Invitae Variant Classification Sherloc (09022015). Collection method: clinical testing. Allele origin: germline.
Comment: This variant has not been reported in the literature in individuals affected with REST-related conditions. In summary, the available evidence is currently insufficient to determine the role of this variant in disease. Therefore, it has been classified as a Variant of Uncertain Significance. Experimental studies and prediction algorithms are not available or were not evaluated, and the functional significance of this variant is currently unknown. This variant is not present in population databases (gnomAD no frequency). This variant, c.1930_2145del, results in the deletion of 72 amino acid(s) of the REST protein (p.Ile644_Gln715del), but otherwise preserves the integrity of the reading frame.

NM_005612.5(REST):c.1930_2145del (p.Ile644_Gln715del)

Gene: REST (RE1 silencing transcription factor; plus strand). Cytogenetic location: 4q12.
Variant type: Deletion.
Coding change: c.1930_2145del on transcript NM_005612.5 (MANE Select); coding-DNA positions 1930 to 2145, 216 bases deleted.
Protein change: p.Ile644_Gln715del.
Molecular consequence: inframe deletion. On other transcripts: inframe indel (2).
Genome position (GRCh38, 1-based): chr4:56,930,788-56,931,003, 216 bases deleted. GRCh37 (hg19): chr4:57,796,954-57,797,169.
Other names: c.1930_2145del216, p.Ile644_Gln715del (NM_001193508.2, NM_001363453.3).
Identifiers: ClinVar variation 2823640 (VCV002823640.3), dbSNP rs2475851146, ClinGen allele CA2739265891.